The following is an entry in ClinVar:

ClinVar aggregate classification (germline): Pathogenic/Likely pathogenic. Review status: criteria provided, multiple submitters, no conflicts (2 of 4 stars). 2 submissions from 2 submitters: Pathogenic (1); Likely pathogenic (1). Last evaluated 2022-10-19.

Conditions:
Intellectual developmental disorder, autosomal dominant 42. Also called: Intellectual disability, autosomal dominant 42; GNB1 Encephalopathy; Global developmental delay-neuro-ophthalmological abnormalities-seizures-intellectual disability syndrome. Identifiers: Orphanet 488613, MedGen C4310774, MONDO:0014855, OMIM 616973.

Submissions (2):

GeneDx
Classification: Pathogenic. Last evaluated: 2022-10-19. Review status: criteria provided, single submitter. Criteria: GeneDx Variant Classification Process June 2021. Collection method: clinical testing. Allele origin: germline. Affected: yes.
Comment: Reported previously in an individual with dystonia (Zech et al., 2021); Not observed in large population cohorts (gnomAD); In silico analysis, which includes protein predictors and evolutionary conservation, supports a deleterious effect; This variant is associated with the following publications: (PMID: 33949708)

Institute of Human Genetics Munich, TUM University Hospital
Classification: Likely pathogenic for Intellectual developmental disorder, autosomal dominant 42. Last evaluated: 2020-07-07. Review status: criteria provided, single submitter. Criteria: Classification criteria August 2017. Collection method: clinical testing. Allele origin: germline. Inheritance: Autosomal dominant inheritance. Affected: yes. Observed: 1 heterozygote.

NM_002074.5(GNB1):c.226G>A (p.Asp76Asn)

Gene: GNB1 (G protein subunit beta 1; minus strand). Cytogenetic location: 1p36.33.
Variant type: single nucleotide variant.
Coding change: c.226G>A on transcript NM_002074.5 (MANE Select); coding-DNA position 226, G replaced by A.
Protein change: p.Asp76Asn; replaces aspartic acid 76 with asparagine.
Molecular consequence: missense variant. On other transcripts: 5 prime UTR variant (1).
Genome position (GRCh38, 1-based): chr1:1,806,516, C>T on the plus strand (G>A on the coding strand, the complement: GNB1 is on the minus strand). VCF-style: chr1-1806516-C-T. GRCh37 (hg19) VCF-style: chr1-1737955-C-T.
Other names: c.-75G>A (NM_001282538.2); c.226G>A, p.Asp76Asn (NM_001282539.2); short protein forms D76N.
Identifiers: ClinVar variation 976696 (VCV000976696.5), dbSNP rs1646697327, ClinGen allele CA337916435.
Genomic context (GRCh38, chr1:1,806,516, plus strand): 5'-GGAATCCTCCAGTCCCTACCTTGTTGGTGGTGTAGCTGTCCCAGATGATAAGTTTACCAT[C>T]CTGCGAGGCACTGACGAGAAGCCTGGAGGGACAGACAAAAGCAAACCTATCAGTACCGCA-3'
Protein context (NP_002065.1, residues 66-86): DSRLLVSASQ[Asp76Asn]GKLIIWDSYT